The following is an entry in ClinVar:

ClinVar aggregate classification (germline): Uncertain significance (1 of 4 stars; one submission).

gnomAD v4.1: 2 of 1,614,098 alleles (0.00012%); highest among the groups gnomAD compares: Admixed American, 0.0017%; no homozygotes.

Submission:

Quest Diagnostics Nichols Institute San Juan Capistrano
Classification: Uncertain significance. Last evaluated: 2025-02-19. Review status: criteria provided, single submitter. Criteria: Quest Diagnostics criteria. Collection method: clinical testing. Allele origin: unknown.
Comment: The FANCA c.3415C>T (p.Leu1139=) variant has not been reported in individuals with FANCA-related conditions in the published literature. The frequency of this variant in the general population (Genome Aggregation Database) is uninformative in the assessment of its pathogenicity. Analysis of this variant using software algorithms for the prediction of the effect of nucleotide changes on splicing yielded predictions that this variant does not affect FANCA mRNA splicing. Based on the available information, we are unable to determine the clinical significance of this variant.

NM_000135.4(FANCA):c.3415C>T (p.Leu1139=)

Gene: FANCA (FA complementation group A; minus strand). Cytogenetic location: 16q24.3.
Variant type: single nucleotide variant.
Coding change: c.3415C>T on transcript NM_000135.4 (MANE Select); coding-DNA position 3415, C replaced by T.
Protein change: p.Leu1139=; no amino-acid change (leucine 1139 retained).
Molecular consequence: synonymous variant.
Genome position (GRCh38, 1-based): chr16:89,746,682, G>A on the plus strand (C>T on the coding strand, the complement: FANCA is on the minus strand). VCF-style: chr16-89746682-G-A. GRCh37 (hg19) VCF-style: chr16-89813090-G-A.
Other names: c.3415C>T, p.Leu1139= (NM_001286167.3).
Identifiers: ClinVar variation 4532872 (VCV004532872.1).
Genomic context (GRCh38, chr16:89,746,682, plus strand): 5'-ACTTGGCCAGTATGAAGTCGACCATCAGGGAGGGGTCTCTGCTCCGCAGACAGGCGTTCA[G>A]GAGGCCCTGCAGGAGAGAACGCAGCAGGAGGTCAGCGGTTTGTGAGGACCCACAACTAGT-3'
Protein context (NP_000126.2, residues 1129-1149): DITAHFFRGL[Leu1139=]NACLRSRDPS